The following is an entry in ClinVar:

ClinVar aggregate classification (germline): Likely benign. Review status: criteria provided, multiple submitters, no conflicts (2 of 4 stars). 3 submissions from 3 submitters: Likely benign (2). 1 of the submissions does not count toward it. Last evaluated 2026-08-01.

Conditions:
Myopathy with tubular aggregates (TAM). Also called: Tubular Aggregate Myopathy. Identifiers: Orphanet 2593, MedGen C0410207, MONDO:0008051.
Stormorken syndrome (STRMK). Also called: THROMBOCYTOPATHY, ASPLENIA, AND MIOSIS. Identifiers: Orphanet 3204, MedGen C1861451, MONDO:0008497, OMIM 185070.
Combined immunodeficiency due to STIM1 deficiency. Also called: STIM1 DEFICIENCY; IMMUNODEFICIENCY 10. Identifiers: Orphanet 169090, Orphanet 317430, MedGen C2748557, MONDO:0013008, OMIM 612783.
STIM1-related disorder. Also called: STIM1-related condition.

Allele frequency attached by ClinVar (database versions not stated): ExAC 0.00001; gnomAD exomes 0.00001.
gnomAD v4.1: 10 of 1,614,102 alleles (0.00062%); highest among the groups gnomAD compares: Non-Finnish European, 0.00085%; no homozygotes.

Submissions (3):

CeGaT Center for Human Genetics Tuebingen
Classification: Likely benign. Last evaluated: 2026-08-01. Review status: criteria provided, single submitter. Criteria: CeGaT Center For Human Genetics Tuebingen Variant Classification Criteria Version 2. Collection method: clinical testing. Allele origin: germline. Affected: yes. Observed: 1 variant allele.
Comment: STIM1: BP4, BP7

Labcorp Genetics (formerly Invitae), Labcorp
Classification: Likely benign for Myopathy with tubular aggregates; Combined immunodeficiency due to STIM1 deficiency; Stormorken syndrome. Last evaluated: 2025-07-08. Review status: criteria provided, single submitter. Criteria: Invitae Variant Classification Sherloc (09022015). Collection method: clinical testing. Allele origin: germline.

PreventionGenetics, part of Exact Sciences
Classification: Likely benign for STIM1-related condition. Last evaluated: 2023-08-08. Review status: no assertion criteria provided. Collection method: clinical testing. Allele origin: germline. Not counted in ClinVar's aggregate classification.
Comment: This variant is classified as likely benign based on ACMG/AMP sequence variant interpretation guidelines (Richards et al. 2015 PMID: 25741868, with internal and published modifications).

NM_001382567.1(STIM1):c.531T>A (p.Thr177=)

Gene: STIM1 (stromal interaction molecule 1; plus strand). Cytogenetic location: 11p15.4.
Variant type: single nucleotide variant.
Coding change: c.531T>A on transcript NM_001382567.1 (MANE Select); coding-DNA position 531, T replaced by A.
Protein change: p.Thr177=; no amino-acid change (threonine 177 retained).
Molecular consequence: synonymous variant. On other transcripts: non-coding transcript variant (3), intron variant (1).
Genome position (GRCh38, 1-based): chr11:4,059,314, T>A. VCF-style: chr11-4059314-T-A. GRCh37 (hg19) VCF-style: chr11-4080544-T-A.
Other names: c.531T>A, p.Thr177= (NM_001277961.3, NM_001277962.2, NM_001382568.1 and 2 more transcripts); c.309T>A, p.Thr103= (NM_001382566.1, NM_001382573.1, NM_001382574.1 and 5 more transcripts); c.396T>A, p.Thr132= (NM_001382569.1); c.51T>A, p.Thr17= (NM_001382571.1); c.42T>A, p.Thr14= (NM_001382580.1, NM_001382581.1); c.386-10712T>A (NM_001382570.1); c.531T>A (NM_003156.3).
Identifiers: ClinVar variation 1654038 (VCV001654038.11), dbSNP rs767768485, ClinGen allele CA5830251.